The following is an entry in ClinVar:

ClinVar aggregate classification (germline): Pathogenic/Likely pathogenic. Review status: criteria provided, multiple submitters, no conflicts (2 of 4 stars). 2 submissions from 2 submitters: Pathogenic (1); Likely pathogenic (1). Last evaluated 2024-01-03.

Conditions:
Maple syrup urine disease type 1A (MSUD1A). Also called: MSUD type 1A. Identifiers: MedGen C1855369, MONDO:0023691, OMIM 248600.
Maple syrup urine disease (MSUD). Identifiers: Orphanet 511, MedGen C0024776, MeSH D008375, MONDO:0009563. Disease mechanism: loss of function.

Submissions (2):

Labcorp Genetics (formerly Invitae), Labcorp
Classification: Pathogenic for Maple syrup urine disease. Last evaluated: 2024-01-03. Review status: criteria provided, single submitter. Criteria: Invitae Variant Classification Sherloc (09022015). Collection method: clinical testing. Allele origin: germline.
Comment: This sequence change creates a premature translational stop signal (p.Lys107*) in the BCKDHA gene. It is expected to result in an absent or disrupted protein product. Loss-of-function variants in BCKDHA are known to be pathogenic (PMID: 16786533, 22593002). This variant is not present in population databases (gnomAD no frequency). This variant has not been reported in the literature in individuals affected with BCKDHA-related conditions. For these reasons, this variant has been classified as Pathogenic.

Juno Genomics, Hangzhou Juno Genomics, Inc
Classification: Likely pathogenic for Maple syrup urine disease type 1A. Review status: criteria provided, single submitter. Criteria: ACMG Guidelines, 2015. Collection method: clinical testing. Allele origin: germline.
Comment: Null variant in a gene where loss of function (LOF) is a known mechanism of disease.;Absent from controls (or at extremely low frequency if recessive) in Genome Aggregation Database.

Literature cited by the submitters: PubMed 16786533 (cited by Labcorp Genetics (formerly Invitae), Labcorp); PubMed 22593002 (cited by Labcorp Genetics (formerly Invitae), Labcorp).

NM_000709.4(BCKDHA):c.319A>T (p.Lys107Ter)

Gene: BCKDHA (branched chain keto acid dehydrogenase E1 subunit alpha; plus strand). Cytogenetic location: 19q13.2.
Variant type: single nucleotide variant.
Coding change: c.319A>T on transcript NM_000709.4 (MANE Select); coding-DNA position 319, A replaced by T.
Protein change: p.Lys107Ter; replaces lysine 107 with a stop codon.
Molecular consequence: nonsense.
Genome position (GRCh38, 1-based): chr19:41,410,953, A>T. VCF-style: chr19-41410953-A-T. GRCh37 (hg19) VCF-style: chr19-41916858-A-T.
Other names: c.319A>T, p.Lys107Ter (NM_001164783.2); short protein forms K107*.
Identifiers: ClinVar variation 2706056 (VCV002706056.5), dbSNP rs749487379, ClinGen allele CA406005545.